The following is an entry in ClinVar:

NM_001127198.5(TMC6):c.892-2A>G

Gene: TMC6 (transmembrane channel like 6; minus strand). Cytogenetic location: 17q25.3.
Variant type: single nucleotide variant.
Coding change: c.892-2A>G on transcript NM_001127198.5 (MANE Select); the canonical splice acceptor site of the intron before coding-DNA position 892, A replaced by G.
Molecular consequence: splice acceptor variant.
Genome position (GRCh38, 1-based): chr17:78,124,181, T>C on the plus strand (A>G on the coding strand, the complement: TMC6 is on the minus strand). VCF-style: chr17-78124181-T-C. GRCh37 (hg19) VCF-style: chr17-76120262-T-C.
Other names: c.892-2A>G (NM_001374594.1, NM_001374596.1, NM_001374593.1 and 4 more transcripts).
Identifiers: ClinVar variation 662928 (VCV000662928.8), dbSNP rs769471844, ClinGen allele CA401232274.

ClinVar aggregate classification (germline): Pathogenic (1 of 4 stars; one submission).

Conditions:
Epidermodysplasia verruciformis. Identifiers: Orphanet 302, MedGen C0014522, MONDO:0009176.

Submission:

Labcorp Genetics (formerly Invitae), Labcorp
Classification: Pathogenic for Epidermodysplasia verruciformis. Last evaluated: 2025-01-27. Review status: criteria provided, single submitter. Criteria: Invitae Variant Classification Sherloc (09022015). Collection method: clinical testing. Allele origin: germline.
Comment: This sequence change affects an acceptor splice site in intron 8 of the TMC6 gene. It is expected to disrupt RNA splicing. Variants that disrupt the donor or acceptor splice site typically lead to a loss of protein function (PMID: 16199547), and loss-of-function variants in TMC6 are known to be pathogenic (PMID: 15042430, 17139267). This variant is not present in population databases (gnomAD no frequency). Disruption of this splice site has been observed in individual(s) with epidermodysplasia verruciformis (PMID: 36268689). It has also been observed to segregate with disease in related individuals. ClinVar contains an entry for this variant (Variation ID: 662928). Algorithms developed to predict the effect of sequence changes on RNA splicing suggest that this variant may disrupt the consensus splice site. For these reasons, this variant has been classified as Pathogenic.

Literature cited by the submitters: PubMed 16199547; PubMed 15042430; PubMed 17139267; PubMed 36268689.